The following is an entry in ClinVar:

NM_005068.3(SIM1):c.2168A>G (p.Asp723Gly)

Gene: SIM1 (SIM bHLH transcription factor 1; minus strand). Cytogenetic location: 6q16.3.
Variant type: single nucleotide variant.
Coding change: c.2168A>G on transcript NM_005068.3 (MANE Select); coding-DNA position 2168, A replaced by G.
Protein change: p.Asp723Gly; replaces aspartic acid 723 with glycine.
Molecular consequence: missense variant.
Genome position (GRCh38, 1-based): chr6:100,390,494, T>C on the plus strand (A>G on the coding strand, the complement: SIM1 is on the minus strand). VCF-style: chr6-100390494-T-C. GRCh37 (hg19) VCF-style: chr6-100838370-T-C.
Other names: c.2168A>G (NM_005068.2); c.2168A>G, p.Asp723Gly (NM_001374769.1); short protein forms D723G.
Identifiers: ClinVar variation 2768498 (VCV002768498.4), dbSNP rs775469399, ClinGen allele CA3936861.

ClinVar aggregate classification (germline): Uncertain significance. Review status: criteria provided, multiple submitters, no conflicts (2 of 4 stars). 2 submissions from 2 submitters: Uncertain significance (2). Last evaluated 2026-08-24.

Conditions:
SIM1-related disorder. Also called: SIM1-related disorders; SIM1-related condition.

Allele frequency attached by ClinVar (database versions not stated): TOPMed 0.00002; gnomAD 0.00003.
gnomAD v4.1: 40 of 1,614,036 alleles (0.0025%); highest among the groups gnomAD compares: Non-Finnish European, 0.0034%; no homozygotes.

Submissions (2):

PreventionGenetics, part of Exact Sciences
Classification: Uncertain significance for SIM1-related condition. Last evaluated: 2026-08-24. Review status: criteria provided, single submitter. Criteria: ACMG Guidelines, 2015. Collection method: clinical testing. Allele origin: germline.
Comment: The SIM1 c.2168A>G variant is predicted to result in the amino acid substitution p.Asp723Gly. To our knowledge, this variant has not been reported in the literature. This variant is reported in 0.0026% of alleles in individuals of European (non-Finnish) descent in gnomAD. At this time, the clinical significance of this variant is uncertain due to the absence of conclusive functional and genetic evidence.

Labcorp Genetics (formerly Invitae), Labcorp
Classification: Uncertain significance. Last evaluated: 2023-10-07. Review status: criteria provided, single submitter. Criteria: Invitae Variant Classification Sherloc (09022015). Collection method: clinical testing. Allele origin: germline.
Comment: This sequence change replaces aspartic acid, which is acidic and polar, with glycine, which is neutral and non-polar, at codon 723 of the SIM1 protein (p.Asp723Gly). This variant is present in population databases (rs775469399, gnomAD 0.003%). This variant has not been reported in the literature in individuals affected with SIM1-related conditions. An algorithm developed to predict the effect of missense changes on protein structure and function (PolyPhen-2) suggests that this variant is likely to be disruptive. In summary, the available evidence is currently insufficient to determine the role of this variant in disease. Therefore, it has been classified as a Variant of Uncertain Significance.